The following is an entry in ClinVar:

NM_000534.5(PMS1):c.492dup (p.Cys165fs)

Gene: PMS1 (PMS1 homolog 1, mismatch repair system component; plus strand). Cytogenetic location: 2q32.2.
Variant type: Duplication.
Coding change: c.492dup on transcript NM_000534.5 (MANE Select); coding-DNA position 492, one base duplicated (A; older notation c.492dupA).
Protein change: p.Cys165fs; shifts the reading frame from cysteine 165.
Molecular consequence: frameshift variant. On other transcripts: 5 prime UTR variant (2), non-coding transcript variant (1).
Genome position (GRCh38, 1-based): chr2:189,818,090, A duplicated; the last of 7 consecutive A bases (chr2:189,818,084-189,818,090); duplicating any one gives the same sequence. VCF-style (leftmost placement, unchanged base first): chr2-189818083-C-CA. GRCh37 (hg19) VCF-style: chr2-190682809-C-CA.
Other names: c.492dup, p.Cys165fs (NM_001128143.2, NM_001128144.2, NM_001321044.2 and 3 more transcripts); c.-37dup (NM_001289408.2, NM_001289409.2); c.309dup, p.Cys104fs (NM_001321046.2); short protein forms C104fs, C165fs.
Identifiers: ClinVar variation 135044 (VCV000135044.1), dbSNP rs587778609, ClinGen allele CA161506.
Genomic context (GRCh38, chr2:189,818,083, plus strand): 5'-CTGTAACTGCTTTAAGATTATTTAAGAATCTACCTGTAAGAAAGCAGTTTTACTCAACTG[C>CA]AAAAAAATGTAAAGATGAAATAAAAAAGATCCAAGATCTCCTCATGAGCTTTGGTATCCT-3'

ClinVar aggregate classification (germline): not provided (0 of 4 stars; one submission).

Submission:

ITMI
No classification provided. Condition: AllHighlyPenetrant. Last evaluated: 2013-09-19. Review status: no classification provided. Collection method: reference population. Allele origin: germline.
Comment: Please see associated publication for description of ethnicities

Literature cited by the submitters: PubMed 24728327.